The following is an entry in ClinVar:

NM_032119.4(ADGRV1):c.4840C>G (p.Gln1614Glu)

Gene: ADGRV1 (adhesion G protein-coupled receptor V1; plus strand). Cytogenetic location: 5q14.3.
Variant type: single nucleotide variant.
Coding change: c.4840C>G on transcript NM_032119.4 (MANE Select); coding-DNA position 4840, C replaced by G.
Protein change: p.Gln1614Glu; replaces glutamine 1614 with glutamic acid.
Molecular consequence: missense variant. On other transcripts: non-coding transcript variant (1).
Genome position (GRCh38, 1-based): chr5:90,672,633, C>G. VCF-style: chr5-90672633-C-G. GRCh37 (hg19) VCF-style: chr5-89968450-C-G.
Other names: c.4840C>G (NM_032119.3); short protein forms Q1614E.
Identifiers: ClinVar variation 1447784 (VCV001447784.9), dbSNP rs1160218467, ClinGen allele CA360406945.

ClinVar aggregate classification (germline): Uncertain significance. Review status: criteria provided, multiple submitters, no conflicts (2 of 4 stars). 2 submissions from 2 submitters: Uncertain significance (2). Last evaluated 2023-05-31.

Allele frequency attached by ClinVar (database versions not stated): gnomAD exomes below 0.00001; gnomAD 0.00001.
gnomAD v4.1: 2 of 1,613,404 alleles (0.00012%); highest among the groups gnomAD compares: African/African-American, 0.0013%; no homozygotes.

Submissions (2):

GeneDx
Classification: Uncertain significance. Last evaluated: 2023-05-31. Review status: criteria provided, single submitter. Criteria: GeneDx Variant Classification Process June 2021. Collection method: clinical testing. Allele origin: germline. Affected: yes.
Comment: Not observed at significant frequency in large population cohorts (gnomAD); In silico analysis supports that this missense variant does not alter protein structure/function; Has not been previously published as pathogenic or benign to our knowledge

Labcorp Genetics (formerly Invitae), Labcorp
Classification: Uncertain significance. Last evaluated: 2021-04-02. Review status: criteria provided, single submitter. Criteria: Invitae Variant Classification Sherloc (09022015). Collection method: clinical testing. Allele origin: germline.
Comment: In summary, the available evidence is currently insufficient to determine the role of this variant in disease. Therefore, it has been classified as a Variant of Uncertain Significance. Algorithms developed to predict the effect of sequence changes on RNA splicing suggest that this variant may create or strengthen a splice site, but this prediction has not been confirmed by published transcriptional studies. Algorithms developed to predict the effect of missense changes on protein structure and function are either unavailable or do not agree on the potential impact of this missense change (SIFT: "Deleterious"; PolyPhen-2: "Possibly Damaging"; Align-GVGD: "Class C0"). This variant has not been reported in the literature in individuals with ADGRV1-related conditions. This variant is not present in population databases (ExAC no frequency). This sequence change replaces glutamine with glutamic acid at codon 1614 of the ADGRV1 protein (p.Gln1614Glu). The glutamine residue is highly conserved and there is a small physicochemical difference between glutamine and glutamic acid.